The following is an entry in ClinVar:

ClinVar aggregate classification (germline): Conflicting classifications of pathogenicity. Review status: criteria provided, conflicting classifications (1 of 4 stars). 6 submissions from 6 submitters: Uncertain significance (1); Likely benign (5). Last evaluated 2025-12-13.

Conditions:
Inborn genetic diseases. Identifiers: MedGen C0950123, MeSH D030342.
Focal segmental glomerulosclerosis 5 (FSGS5). Identifiers: Orphanet 656, MedGen C2750475, MONDO:0013191, OMIM 613237.
Charcot-Marie-Tooth disease dominant intermediate E. Also called: CHARCOT-MARIE-TOOTH NEUROPATHY WITH FOCAL SEGMENTAL GLOMERULONEPHRITIS. Identifiers: Orphanet 93114, MedGen C4302667, MONDO:0013758, OMIM 614455.
Kidney disorder. Also called: Nephropathy; Kidney Diseases; Kidney disease; renal disease; renal disorder. Identifiers: MedGen C0022658, MONDO:0005240, HP:0000112.

Allele frequency attached by ClinVar (database versions not stated): gnomAD exomes 0.00003 and 0.00007; gnomAD 0.00004; TOPMed 0.00006; ExAC 0.00008; ESP Exome Variant Server 0.00008.
gnomAD v4.1: 60 of 1,612,468 alleles (0.0037%); highest among the groups gnomAD compares: Admixed American, 0.005%; no homozygotes.

Submissions (6):

Labcorp Genetics (formerly Invitae), Labcorp
Classification: Likely benign for Charcot-Marie-Tooth disease dominant intermediate E; Focal segmental glomerulosclerosis 5. Last evaluated: 2025-12-13. Review status: criteria provided, single submitter. Criteria: Invitae Variant Classification Sherloc (09022015). Collection method: clinical testing. Allele origin: germline.

Mayo Clinic Laboratories, Mayo Clinic
Classification: Likely benign. Last evaluated: 2025-10-08. Review status: criteria provided, single submitter. Criteria: ACMG Guidelines, 2015. Collection method: clinical testing. Allele origin: germline. Observed: 2 variant alleles.
Comment: BS2, BP4

Women's Health and Genetics/Laboratory Corporation of America, LabCorp
Classification: Likely benign. Last evaluated: 2025-03-17. Review status: criteria provided, single submitter. Criteria: LabCorp Variant Classification Summary - May 2015. Collection method: clinical testing. Allele origin: germline.
Comment: Variant summary: INF2 c.1957G>A (p.Glu653Lys) results in a conservative amino acid change in the encoded protein sequence. Three of five in-silico tools predict a benign effect of the variant on protein function. The variant allele was found at a frequency of 7.3e-05 in 247682 control chromosomes. The observed variant frequency is approximately 116 fold of the estimated maximal expected allele frequency for a pathogenic variant in INF2 causing Charcot-Marie-Tooth disease dominant intermediate E phenotype (6.3e-07). To our knowledge, no occurrence of c.1957G>A in individuals affected with Charcot-Marie-Tooth disease dominant intermediate E and no experimental evidence demonstrating its impact on protein function have been reported. ClinVar contains an entry for this variant (Variation ID: 540042). Based on the evidence outlined above, the variant was classified as likely benign.

Blueprint Genetics
Classification: Likely benign. Last evaluated: 2023-11-01. Review status: criteria provided, single submitter. Criteria: ACMG Guidelines, 2015. Collection method: clinical testing. Allele origin: germline.

Genome Diagnostics Laboratory, The Hospital for Sick Children
Classification: Uncertain significance for Kidney disorder. Last evaluated: 2021-12-08. Review status: criteria provided, single submitter. Criteria: ACMG Guidelines, 2015. Collection method: clinical testing. Allele origin: germline.

Ambry Genetics
Classification: Likely benign for Inborn genetic diseases. Last evaluated: 2019-10-25. Review status: criteria provided, single submitter. Criteria: Ambry Variant Classification Scheme 2023. Collection method: clinical testing. Allele origin: germline.

NM_022489.4(INF2):c.1957G>A (p.Glu653Lys)

Gene: INF2 (inverted formin 2; plus strand). Cytogenetic location: 14q32.33.
Variant type: single nucleotide variant.
Coding change: c.1957G>A on transcript NM_022489.4 (MANE Select); coding-DNA position 1957, G replaced by A.
Protein change: p.Glu653Lys; replaces glutamic acid 653 with lysine.
Molecular consequence: missense variant.
Genome position (GRCh38, 1-based): chr14:104,709,288, G>A. VCF-style: chr14-104709288-G-A. GRCh37 (hg19) VCF-style: chr14-105175625-G-A.
Other names: p.Glu653Lys; c.1957G>A, p.Glu653Lys (NM_001031714.4); short protein forms E653K.
Identifiers: ClinVar variation 540042 (VCV000540042.20), dbSNP rs368576387, ClinGen allele CA7372766.